The following is an entry in ClinVar:

NM_000368.5(TSC1):c.327A>T (p.Gln109His)

Gene: TSC1 (TSC complex subunit 1; minus strand). Cytogenetic location: 9q34.13.
Variant type: single nucleotide variant.
Coding change: c.327A>T on transcript NM_000368.5 (MANE Select); coding-DNA position 327, A replaced by T.
Protein change: p.Gln109His; replaces glutamine 109 with histidine.
Molecular consequence: missense variant. On other transcripts: non-coding transcript variant (5), intron variant (5), 5 prime UTR variant (18).
Genome position (GRCh38, 1-based): chr9:132,925,623, T>A on the plus strand (A>T on the coding strand, the complement: TSC1 is on the minus strand). VCF-style: chr9-132925623-T-A. GRCh37 (hg19) VCF-style: chr9-135801010-T-A.
Other names: c.210+1578A>T (NM_001406613.1, NM_001406612.1, NM_001406610.1 and 2 more transcripts); c.327A>T, p.Gln109His (NM_001406595.1, NM_001406596.1, NM_001406597.1 and 16 more transcripts); c.-767A>T (NM_001406630.1); c.-37A>T (NM_001362177.2, NM_001406617.1, NM_001406618.1 and 5 more transcripts); c.-129A>T (NM_001406614.1, NM_001406616.1, NM_001406624.1); c.-162A>T (NM_001406615.1, NM_001406623.1); c.-551A>T (NM_001406626.1, NM_001406627.1, NM_001406628.1); c.-693A>T (NM_001406629.1); short protein forms Q109H.
Identifiers: ClinVar variation 5031260 (VCV005031260.1).

ClinVar aggregate classification (germline): Uncertain significance (1 of 4 stars; one submission).

Conditions:
Hereditary cancer-predisposing syndrome. Also called: Neoplastic Syndromes, Hereditary; Tumor predisposition; Hereditary neoplastic syndrome; Hereditary Cancer Syndrome. Identifiers: Orphanet 140162, MedGen C0027672, MeSH D009386, MONDO:0015356.

Submission:

Ambry Genetics
Classification: Uncertain significance for Hereditary cancer-predisposing syndrome. Last evaluated: 2026-08-22. Review status: criteria provided, single submitter. Criteria: Ambry Variant Classification Scheme 2023. Collection method: clinical testing. Allele origin: germline.
Comment: The p.Q109H variant (also known as c.327A>T), located in coding exon 3 of the TSC1 gene, results from an A to T substitution at nucleotide position 327. The glutamine at codon 109 is replaced by histidine, an amino acid with highly similar properties. This amino acid position is conserved. In addition, the in silico prediction for this alteration is inconclusive. Based on the available evidence, the clinical significance of this variant remains unclear.